The following is an entry in ClinVar:

ClinVar aggregate classification (germline): Benign (0 of 4 stars; one submission).

Conditions:
LNPK-related disorder. Also called: LNPK-related condition.

Allele frequency attached by ClinVar (database versions not stated): ExAC 0.00077; gnomAD exomes 0.00205; gnomAD 0.01764; 1000 Genomes Project 30x 0.01889; 1000 Genomes Project 0.01897; TOPMed 0.01962.
gnomAD v4.1: 3,291 of 454,398 alleles (0.72%); highest among the groups gnomAD compares: African/African-American, 6%; 92 homozygotes.

Submission:

PreventionGenetics, part of Exact Sciences
Classification: Benign for LNPK-related condition. Last evaluated: 2019-07-16. Review status: no assertion criteria provided. Collection method: clinical testing. Allele origin: germline.
Comment: This variant is classified as benign based on ACMG/AMP sequence variant interpretation guidelines (Richards et al. 2015 PMID: 25741868, with internal and published modifications).

NM_030650.3(LNPK):c.707-1347A>G

Gene: LNPK (lunapark, ER junction formation factor; minus strand). Cytogenetic location: 2q31.1.
Variant type: single nucleotide variant.
Coding change: c.707-1347A>G on transcript NM_030650.3 (MANE Select); 1347 bases into the intron before coding-DNA position 707, A replaced by G.
Molecular consequence: intron variant. On other transcripts: synonymous variant (1).
Genome position (GRCh38, 1-based): chr2:175,941,004, T>C on the plus strand (A>G on the coding strand, the complement: LNPK is on the minus strand). VCF-style: chr2-175941004-T-C. GRCh37 (hg19) VCF-style: chr2-176805732-T-C.
Other names: c.783A>G, p.Gln261= (NM_001305009.1); c.338-1347A>G (NM_001305011.2); c.713-1347A>G (NM_001305010.1); c.905-1347A>G (NM_001305008.1).
Identifiers: ClinVar variation 3037711 (VCV003037711.2), dbSNP rs148493448, ClinGen allele CA1975915.